The following is an entry in ClinVar:

ClinVar aggregate classification (germline): Uncertain significance (1 of 4 stars; one submission).

Conditions:
Inborn genetic diseases. Identifiers: MedGen C0950123, MeSH D030342.

gnomAD v4.1: 4 of 1,614,200 alleles (0.00025%); highest among the groups gnomAD compares: Non-Finnish European, 0.00025%; no homozygotes.

Submission:

Ambry Genetics
Classification: Uncertain significance for Inborn genetic diseases. Last evaluated: 2026-08-23. Review status: criteria provided, single submitter. Criteria: Ambry Variant Classification Scheme 2023. Collection method: clinical testing. Allele origin: germline.
Comment: The c.1140C>A (p.S380R) alteration is located in exon 9 (coding exon 9) of the AGO2 gene. This alteration results from a C to A substitution at nucleotide position 1140, causing the serine (S) at amino acid position 380 to be replaced by an arginine (R). Based on data from gnomAD, the A allele has an overall frequency of <0.001% (1/251448) total alleles studied. The highest observed frequency was 0.001% (1/113748) of European (non-Finnish) alleles. Based on insufficient or conflicting evidence, the clinical significance of this alteration remains unclear.

NM_012154.5(AGO2):c.1140C>A (p.Ser380Arg)

Gene: AGO2 (argonaute RISC catalytic component 2; minus strand). Cytogenetic location: 8q24.3.
Variant type: single nucleotide variant.
Coding change: c.1140C>A on transcript NM_012154.5 (MANE Select); coding-DNA position 1140, C replaced by A.
Protein change: p.Ser380Arg; replaces serine 380 with arginine.
Molecular consequence: missense variant.
Genome position (GRCh38, 1-based): chr8:140,556,173, G>T on the plus strand (C>A on the coding strand, the complement: AGO2 is on the minus strand). VCF-style: chr8-140556173-G-T. GRCh37 (hg19) VCF-style: chr8-141566272-G-T.
Other names: c.1140C>A, p.Ser380Arg (NM_001164623.3); short protein forms S380R.
Identifiers: ClinVar variation 5033318 (VCV005033318.1).